The following is an entry in ClinVar:

ClinVar aggregate classification (germline): Uncertain significance (1 of 4 stars; one submission).

Conditions:
Inborn genetic diseases. Identifiers: MedGen C0950123, MeSH D030342.

gnomAD v4.1: 4 of 1,613,620 alleles (0.00025%); highest among the groups gnomAD compares: African/African-American, 0.0013%; no homozygotes.

Submission:

Ambry Genetics
Classification: Uncertain significance for Inborn genetic diseases. Last evaluated: 2025-10-27. Review status: criteria provided, single submitter. Criteria: Ambry Variant Classification Scheme 2023. Collection method: clinical testing. Allele origin: germline.
Comment: The p.D1117G variant (also known as c.3350A>G), located in coding exon 15 of the MECOM gene, results from an A to G substitution at nucleotide position 3350. The aspartic acid at codon 1117 is replaced by glycine, an amino acid with similar properties. This amino acid position is conserved. In addition, this alteration is predicted to be tolerated by in silico analysis. Based on the available evidence, the clinical significance of this variant remains unclear.

NM_004991.4(MECOM):c.3350A>G (p.Asp1117Gly)

Gene: MECOM (MDS1 and EVI1 complex locus; minus strand). Cytogenetic location: 3q26.2.
Variant type: single nucleotide variant.
Coding change: c.3350A>G on transcript NM_004991.4 (MANE Select); coding-DNA position 3350, A replaced by G.
Protein change: p.Asp1117Gly; replaces aspartic acid 1117 with glycine.
Molecular consequence: missense variant.
Genome position (GRCh38, 1-based): chr3:169,090,051, T>C on the plus strand (A>G on the coding strand, the complement: MECOM is on the minus strand). VCF-style: chr3-169090051-T-C. GRCh37 (hg19) VCF-style: chr3-168807839-T-C.
Other names: c.2981A>G, p.Asp994Gly (NM_001105077.4); c.2786A>G, p.Asp929Gly (NM_001105078.4, NM_001205194.2, NM_001366469.2 and 1 more transcripts); c.2762A>G, p.Asp921Gly (NM_001163999.2, NM_001366470.2); c.2759A>G, p.Asp920Gly (NM_001164000.2, NM_001366471.2, NM_001366472.2); c.3323A>G, p.Asp1108Gly (NM_001366466.2); c.2789A>G, p.Asp930Gly (NM_001366467.2, NM_001366468.2); c.2351A>G, p.Asp784Gly (NM_001366473.2); c.1787A>G, p.Asp596Gly (NM_001366474.2); short protein forms D596G, D784G, D921G, D994G, D1117G, D929G, D930G, D1108G.
Identifiers: ClinVar variation 4624670 (VCV004624670.1).